The following is an entry in ClinVar:

NM_001297.5(CNGB1):c.3398G>A (p.Arg1133Gln)

Gene: CNGB1 (cyclic nucleotide gated channel subunit beta 1; minus strand). Cytogenetic location: 16q21.
Variant type: single nucleotide variant.
Coding change: c.3398G>A on transcript NM_001297.5 (MANE Select); coding-DNA position 3398, G replaced by A.
Protein change: p.Arg1133Gln; replaces arginine 1133 with glutamine.
Molecular consequence: missense variant.
Genome position (GRCh38, 1-based): chr16:57,887,919, C>T on the plus strand (G>A on the coding strand, the complement: CNGB1 is on the minus strand). VCF-style: chr16-57887919-C-T. GRCh37 (hg19) VCF-style: chr16-57921823-C-T.
Other names: c.3380G>A, p.Arg1127Gln (NM_001286130.2); c.3398G>A (NM_001297.4); short protein forms R1127Q, R1133Q.
Identifiers: ClinVar variation 1037443 (VCV001037443.9), dbSNP rs375348116, ClinGen allele CA8082581.

ClinVar aggregate classification (germline): Uncertain significance. Review status: criteria provided, multiple submitters, no conflicts (2 of 4 stars). 6 submissions from 6 submitters: Uncertain significance (4). 2 of the submissions do not count toward it. Last evaluated 2024-09-23.

Conditions:
Retinal dystrophy. Also called: Inherited retinal dystrophy. Identifiers: Orphanet 71862, MedGen C0854723, MeSH D058499, MONDO:0019118, HP:0000556.
Inborn genetic diseases. Identifiers: MedGen C0950123, MeSH D030342.

Allele frequency attached by ClinVar (database versions not stated): ExAC 0.00004; gnomAD exomes 0.00004; TOPMed 0.00005; gnomAD 0.00009; ESP Exome Variant Server 0.00017.
gnomAD v4.1: 96 of 1,614,194 alleles (0.0059%); highest among the groups gnomAD compares: Middle Eastern, 0.033%; no homozygotes.

Submissions (6):

Blueprint Genetics
Classification: Uncertain significance. Last evaluated: 2024-09-23. Review status: criteria provided, single submitter. Criteria: ACMG Guidelines, 2015. Collection method: clinical testing. Allele origin: germline.

Ambry Genetics
Classification: Uncertain significance for Inborn genetic diseases. Last evaluated: 2024-01-16. Review status: criteria provided, single submitter. Criteria: Ambry Variant Classification Scheme 2023. Collection method: clinical testing. Allele origin: germline.

Dept Of Ophthalmology, Nagoya University
Classification: Uncertain significance for Retinal dystrophy. Last evaluated: 2023-10-01. Review status: criteria provided, single submitter. Criteria: Submitter's publication. Collection method: research. Allele origin: germline. Affected: yes.

Labcorp Genetics (formerly Invitae), Labcorp
Classification: Uncertain significance. Last evaluated: 2022-10-05. Review status: criteria provided, single submitter. Criteria: Invitae Variant Classification Sherloc (09022015). Collection method: clinical testing. Allele origin: germline.
Comment: This sequence change replaces arginine, which is basic and polar, with glutamine, which is neutral and polar, at codon 1133 of the CNGB1 protein (p.Arg1133Gln). This variant is present in population databases (rs375348116, gnomAD 0.01%). This variant has not been reported in the literature in individuals affected with CNGB1-related conditions. ClinVar contains an entry for this variant (Variation ID: 1037443). Advanced modeling of protein sequence and biophysical properties (such as structural, functional, and spatial information, amino acid conservation, physicochemical variation, residue mobility, and thermodynamic stability) performed at Invitae indicates that this missense variant is not expected to disrupt CNGB1 protein function. Algorithms developed to predict the effect of sequence changes on RNA splicing suggest that this variant may create or strengthen a splice site. In summary, the available evidence is currently insufficient to determine the role of this variant in disease. Therefore, it has been classified as a Variant of Uncertain Significance.

Clinical Genetics DNA and cytogenetics Diagnostics Lab, Erasmus MC, Erasmus Medical Center
Classification: Uncertain significance. Review status: no assertion criteria provided. Collection method: clinical testing. Allele origin: germline. Affected: yes. Study: VKGL Data-share Consensus. Not counted in ClinVar's aggregate classification.

Clinical Genetics, Academic Medical Center
Classification: Uncertain significance. Review status: no assertion criteria provided. Collection method: clinical testing. Allele origin: germline. Affected: yes. Study: VKGL Data-share Consensus. Not counted in ClinVar's aggregate classification.